The following is an entry in ClinVar:

NM_001385641.1(SAMD11):c.1745G>A (p.Gly582Glu)

Gene: SAMD11 (sterile alpha motif domain containing 11; plus strand). Cytogenetic location: 1p36.33.
Variant type: single nucleotide variant.
Coding change: c.1745G>A on transcript NM_001385641.1 (MANE Select); coding-DNA position 1745, G replaced by A.
Protein change: p.Gly582Glu; replaces glycine 582 with glutamic acid.
Molecular consequence: missense variant.
Genome position (GRCh38, 1-based): chr1:942,750, G>A. VCF-style: chr1-942750-G-A. GRCh37 (hg19) VCF-style: chr1-878130-G-A.
Other names: c.1748G>A, p.Gly583Glu (NM_001385640.1); c.1256G>A, p.Gly419Glu (NM_152486.4); short protein forms G419E, G583E, G582E.
Identifiers: ClinVar variation 1346035 (VCV001346035.7), dbSNP rs774032092, ClinGen allele CA502988.

ClinVar aggregate classification (germline): Uncertain significance. Review status: criteria provided, multiple submitters, no conflicts (2 of 4 stars). 2 submissions from 2 submitters: Uncertain significance (2). Last evaluated 2022-07-19.

Allele frequency attached by ClinVar (database versions not stated): gnomAD 0.00001; gnomAD exomes 0.00002 and 0.00008; TOPMed 0.00003; ExAC 0.00017.

Submissions (2):

Labcorp Genetics (formerly Invitae), Labcorp
Classification: Uncertain significance. Last evaluated: 2022-07-19. Review status: criteria provided, single submitter. Criteria: Invitae Variant Classification Sherloc (09022015). Collection method: clinical testing. Allele origin: germline.
Comment: This sequence change replaces glycine, which is neutral and non-polar, with glutamic acid, which is acidic and polar, at codon 419 of the SAMD11 protein (p.Gly419Glu). This variant is present in population databases (rs774032092, gnomAD 0.07%). This variant has not been reported in the literature in individuals affected with SAMD11-related conditions. ClinVar contains an entry for this variant (Variation ID: 1346035). Algorithms developed to predict the effect of missense changes on protein structure and function are either unavailable or do not agree on the potential impact of this missense change (SIFT: "Deleterious"; PolyPhen-2: "Benign"; Align-GVGD: "Class C15"). In summary, the available evidence is currently insufficient to determine the role of this variant in disease. Therefore, it has been classified as a Variant of Uncertain Significance.

Breakthrough Genomics
Classification: Uncertain significance. Review status: criteria provided, single submitter. Criteria: ACMG Guidelines, 2015. Collection method: not provided. Allele origin: germline. Inheritance: Unknown mechanism. Affected: yes.